The following is an entry in ClinVar:

NM_013236.4(ATXN10):c.948dup (p.Thr317fs)

Gene: ATXN10 (ataxin 10; plus strand). Cytogenetic location: 22q13.31.
Variant type: Duplication.
Coding change: c.948dup on transcript NM_013236.4 (MANE Select); coding-DNA position 948, one base duplicated (T; older notation c.948dupT).
Protein change: p.Thr317fs; shifts the reading frame from threonine 317.
Molecular consequence: frameshift variant.
Genome position (GRCh38, 1-based): chr22:45,738,784, T duplicated. VCF-style (leftmost placement, unchanged base first): chr22-45738783-A-AT. GRCh37 (hg19) VCF-style: chr22-46134663-A-AT.
Other names: c.756dup, p.Thr253fs (NM_001167621.2); short protein forms T253fs, T317fs.
Identifiers: ClinVar variation 376826 (VCV000376826.3), dbSNP rs772813026, ClinGen allele CA10287755.
Genomic context (GRCh38, chr22:45,738,783, plus strand): 5'-CTTTCTAGGAGGCACTGGCTACAATTAGGCTTCTCGACGTCCTGTGCGAAATGACTGTGA[A>AT]TACTGAGCTGCTCGGCTATCTGCAGGTTTTCCCTGGCTTGCTGGAAAGAGTGATTGGTGA-3'

ClinVar aggregate classification (germline): Uncertain significance (1 of 4 stars; one submission).

Allele frequency attached by ClinVar (database versions not stated): gnomAD exomes below 0.00001 and 0.00001; ExAC 0.00001; gnomAD 0.00001; TOPMed 0.00003.

Submission:

Center for Pediatric Genomic Medicine, Children's Mercy Hospital and Clinics
Classification: Uncertain significance. Last evaluated: 2016-10-10. Review status: criteria provided, single submitter. Criteria: ACMG Guidelines, 2015. Collection method: clinical testing. Allele origin: germline.
ClinVar note: Converted during submission from Uncertain Significance to Uncertain significance.